The following is an entry in ClinVar:

NM_177438.3(DICER1):c.2602A>G (p.Lys868Glu)

Gene: DICER1 (dicer 1, ribonuclease III; minus strand). Cytogenetic location: 14q32.13.
Variant type: single nucleotide variant.
Coding change: c.2602A>G on transcript NM_177438.3 (MANE Select); coding-DNA position 2602, A replaced by G.
Protein change: p.Lys868Glu; replaces lysine 868 with glutamic acid.
Molecular consequence: missense variant. On other transcripts: non-coding transcript variant (6).
Genome position (GRCh38, 1-based): chr14:95,107,928, T>C on the plus strand (A>G on the coding strand, the complement: DICER1 is on the minus strand). VCF-style: chr14-95107928-T-C. GRCh37 (hg19) VCF-style: chr14-95574265-T-C.
Other names: c.2602A>G, p.Lys868Glu (NM_001271282.3, NM_001291628.2, NM_001395677.1 and 12 more transcripts); c.2320A>G, p.Lys774Glu (NM_001395686.1); c.2197A>G, p.Lys733Glu (NM_001395687.1, NM_001395688.1, NM_001395689.1 and 2 more transcripts); c.2035A>G, p.Lys679Glu (NM_001395691.1); c.919A>G, p.Lys307Glu (NM_001395697.1); short protein forms K679E, K733E, K868E, K307E, K774E.
Identifiers: ClinVar variation 4240495 (VCV004240495.1).

ClinVar aggregate classification (germline): Uncertain significance (1 of 4 stars; one submission).

Conditions:
Hereditary cancer-predisposing syndrome. Also called: Hereditary Cancer Syndrome; Hereditary neoplastic syndrome; Neoplastic Syndromes, Hereditary; Tumor predisposition. Identifiers: Orphanet 140162, MedGen C0027672, MeSH D009386, MONDO:0015356.

Submission:

Ambry Genetics
Classification: Uncertain significance for Hereditary cancer-predisposing syndrome. Last evaluated: 2025-07-10. Review status: criteria provided, single submitter. Criteria: Ambry Variant Classification Scheme 2023. Collection method: clinical testing. Allele origin: germline.
Comment: The p.K868E variant (also known as c.2602A>G), located in coding exon 15 of the DICER1 gene, results from an A to G substitution at nucleotide position 2602. The lysine at codon 868 is replaced by glutamic acid, an amino acid with similar properties. This amino acid position is conserved. In addition, this alteration is predicted to be tolerated by in silico analysis. Based on the available evidence, the clinical significance of this variant remains unclear.